The following is an entry in ClinVar:

NM_005359.6(SMAD4):c.1658G>A (p.Ter553=)

Gene: SMAD4 (SMAD family member 4; plus strand). Cytogenetic location: 18q21.2.
Variant type: single nucleotide variant.
Coding change: c.1658G>A on transcript NM_005359.6 (MANE Select); coding-DNA position 1658, G replaced by A.
Protein change: p.Ter553=.
Molecular consequence: synonymous variant.
Genome position (GRCh38, 1-based): chr18:51,078,466, G>A. VCF-style: chr18-51078466-G-A. GRCh37 (hg19) VCF-style: chr18-48604836-G-A.
Identifiers: ClinVar variation 1132687 (VCV001132687.10), dbSNP rs2144479903, ClinGen allele CA503874079.
Genomic context (GRCh38, chr18:51,078,466, plus strand): 5'-TCCAGCTCCTAGACGAAGTACTTCATACCATGCCGATTGCAGACCCACAACCTTTAGACT[G>A]AGGTCTTTTACCGTTGGGGCCCTTAACCTTATCAGGATGGTGGACTACAAAATACAATCC-3'

ClinVar aggregate classification (germline): Benign/Likely benign. Review status: criteria provided, multiple submitters, no conflicts (2 of 4 stars). 2 submissions from 2 submitters: Benign (1); Likely benign (1). Last evaluated 2025-03-24.

Conditions:
Juvenile polyposis syndrome (JPS). Identifiers: Orphanet 2929, MedGen C0345893, MONDO:0017380, OMIM 174900.
Juvenile polyposis/hereditary hemorrhagic telangiectasia syndrome (JPHT). Also called: JP/HHT SYNDROME; JUVENILE POLYPOSIS WITH HEREDITARY HEMORRHAGIC TELANGIECTASIA; POLYPOSIS, GENERALIZED JUVENILE, WITH PULMONARY ARTERIOVENOUS MALFORMATION; TELANGIECTASIA, HEREDITARY HEMORRHAGIC, WITH JUVENILE POLYPOSIS COLI; Juvenile Polyposis Syndrome / Hereditary Hemorrhagic Telangiectasia (JPS/HHT). Identifiers: Orphanet 2929, MedGen C1832942, MONDO:0008278, OMIM 175050.

Submissions (2):

Myriad Genetics, Inc.
Classification: Benign for Juvenile polyposis/hereditary hemorrhagic telangiectasia syndrome. Last evaluated: 2025-03-24. Review status: criteria provided, single submitter. Criteria: Myriad Autosomal Dominant, Autosomal Recessive and X-Linked Classification Criteria (2023). Collection method: clinical testing. Allele origin: unknown.
Comment: This variant is considered benign. This variant is a silent/synonymous amino acid change and it is not expected to impact splicing.

Labcorp Genetics (formerly Invitae), Labcorp
Classification: Likely benign for Juvenile polyposis syndrome. Last evaluated: 2020-08-06. Review status: criteria provided, single submitter. Criteria: Invitae Variant Classification Sherloc (09022015). Collection method: clinical testing. Allele origin: germline.